The following is an entry in ClinVar:

NM_001369.3(DNAH5):c.8497C>A (p.Arg2833Ser)

Gene: DNAH5 (dynein axonemal heavy chain 5; minus strand). Cytogenetic location: 5p15.2.
Variant type: single nucleotide variant.
Coding change: c.8497C>A on transcript NM_001369.3 (MANE Select); coding-DNA position 8497, C replaced by A.
Protein change: p.Arg2833Ser; replaces arginine 2833 with serine.
Molecular consequence: missense variant.
Genome position (GRCh38, 1-based): chr5:13,788,866, G>T on the plus strand (C>A on the coding strand, the complement: DNAH5 is on the minus strand). VCF-style: chr5-13788866-G-T. GRCh37 (hg19) VCF-style: chr5-13788975-G-T.
Other names: c.8497C>A (NM_001369.2); short protein forms R2833S.
Identifiers: ClinVar variation 2726506 (VCV002726506.4), dbSNP rs766481283, ClinGen allele CA359217938.

ClinVar aggregate classification (germline): Conflicting classifications of pathogenicity. Review status: criteria provided, conflicting classifications (1 of 4 stars). 2 submissions from 2 submitters: Pathogenic (1); Uncertain significance (1). Last evaluated 2024-03-19.

Conditions:
Primary ciliary dyskinesia. Also called: Ciliary dyskinesia. Identifiers: Orphanet 244, MedGen C0008780, MONDO:0016575, HP:0012265.

Allele frequency attached by ClinVar (database versions not stated): TOPMed 0.00002.
gnomAD v4.1: 3 of 1,613,866 alleles (0.00019%); highest among the groups gnomAD compares: African/African-American, 0.0027%; no homozygotes.

Submissions (2):

Molecular Genetics McLendon Clinical Laboratories, University of North Carolina at Chapel Hill
Classification: Uncertain significance for Primary ciliary dyskinesia. Last evaluated: 2024-03-19. Review status: criteria provided, single submitter. Criteria: ACMG Guidelines, 2015. Collection method: clinical testing. Allele origin: germline.

Labcorp Genetics (formerly Invitae), Labcorp
Classification: Pathogenic for Primary ciliary dyskinesia. Last evaluated: 2022-12-09. Review status: criteria provided, single submitter. Criteria: Invitae Variant Classification Sherloc (09022015). Collection method: clinical testing. Allele origin: germline.
Comment: This sequence change replaces arginine, which is basic and polar, with serine, which is neutral and polar, at codon 2833 of the DNAH5 protein (p.Arg2833Ser). For these reasons, this variant has been classified as Pathogenic. This variant disrupts the p.Arg2833 amino acid residue in DNAH5. Other variant(s) that disrupt this residue have been determined to be pathogenic (PMID: 23891469, 26228299, 27637300). This suggests that this residue is clinically significant, and that variants that disrupt this residue are likely to be disease-causing. Advanced modeling of protein sequence and biophysical properties (such as structural, functional, and spatial information, amino acid conservation, physicochemical variation, residue mobility, and thermodynamic stability) has been performed at Invitae for this missense variant, however the output from this modeling did not meet the statistical confidence thresholds required to predict the impact of this variant on DNAH5 protein function. This missense change has been observed in individual(s) with clinical features of DNAH5-related conditions (Invitae). In at least one individual the data is consistent with being in trans (on the opposite chromosome) from a pathogenic variant. This variant is not present in population databases (gnomAD no frequency).

Literature cited by the submitters: PubMed 23891469 (cited by Labcorp Genetics (formerly Invitae), Labcorp); PubMed 26228299 (cited by Labcorp Genetics (formerly Invitae), Labcorp); PubMed 27637300 (cited by Labcorp Genetics (formerly Invitae), Labcorp).